The following is an entry in ClinVar:

NM_015046.7(SETX):c.5803A>G (p.Asn1935Asp)

Gene: SETX (senataxin; minus strand). Cytogenetic location: 9q34.13.
Variant type: single nucleotide variant.
Coding change: c.5803A>G on transcript NM_015046.7 (MANE Select); coding-DNA position 5803, A replaced by G.
Protein change: p.Asn1935Asp; replaces asparagine 1935 with aspartic acid.
Molecular consequence: missense variant.
Genome position (GRCh38, 1-based): chr9:132,297,033, T>C on the plus strand (A>G on the coding strand, the complement: SETX is on the minus strand). VCF-style: chr9-132297033-T-C. GRCh37 (hg19) VCF-style: chr9-135172420-T-C.
Other names: c.5803A>G, p.Asn1935Asp (NM_001351527.2, NM_001351528.2); short protein forms N1935D.
Identifiers: ClinVar variation 838618 (VCV000838618.10), dbSNP rs1443102808, ClinGen allele CA375344759.

ClinVar aggregate classification (germline): Uncertain significance (1 of 4 stars; one submission).

Conditions:
Spinocerebellar ataxia, autosomal recessive, with axonal neuropathy 2 (SCAN2). Also called: Ataxia-ocular apraxia-2; ATAXIA-OCULOMOTOR APRAXIA 2; Ataxia with Oculomotor Apraxia; Ataxia with Oculomotor Apraxia Type 2. Identifiers: Orphanet 64753, MedGen C1853761, MONDO:0018996, OMIM 606002.
Amyotrophic lateral sclerosis type 4 (ALS4). Also called: AMYOTROPHIC LATERAL SCLEROSIS 4, JUVENILE; NEURONOPATHY, DISTAL HEREDITARY MOTOR, WITH PYRAMIDAL FEATURES. Identifiers: Orphanet 357043, MedGen C1865409, MONDO:0011223, OMIM 602433.

gnomAD v4.1: 1 of 1,613,438 alleles (0.000062%); highest among the groups gnomAD compares: Non-Finnish European, 0.000085%; no homozygotes.

Submission:

Labcorp Genetics (formerly Invitae), Labcorp
Classification: Uncertain significance for Amyotrophic lateral sclerosis type 4; Spinocerebellar ataxia, autosomal recessive, with axonal neuropathy 2. Last evaluated: 2024-02-24. Review status: criteria provided, single submitter. Criteria: Invitae Variant Classification Sherloc (09022015). Collection method: clinical testing. Allele origin: germline.
Comment: This sequence change replaces asparagine, which is neutral and polar, with aspartic acid, which is acidic and polar, at codon 1935 of the SETX protein (p.Asn1935Asp). This variant is not present in population databases (gnomAD no frequency). This variant has not been reported in the literature in individuals affected with SETX-related conditions. This missense change has been observed in at least one individual who was not affected with SETX-related conditions (Invitae). ClinVar contains an entry for this variant (Variation ID: 838618). Advanced modeling of protein sequence and biophysical properties (such as structural, functional, and spatial information, amino acid conservation, physicochemical variation, residue mobility, and thermodynamic stability) has been performed at Invitae for this missense variant, however the output from this modeling did not meet the statistical confidence thresholds required to predict the impact of this variant on SETX protein function. In summary, the available evidence is currently insufficient to determine the role of this variant in disease. Therefore, it has been classified as a Variant of Uncertain Significance.